The following is an entry in ClinVar:

NM_006206.6(PDGFRA):c.2881-3T>C

Gene: PDGFRA (platelet derived growth factor receptor alpha; plus strand). Cytogenetic location: 4q12.
Variant type: single nucleotide variant.
Coding change: c.2881-3T>C on transcript NM_006206.6 (MANE Select); 3 bases into the intron before coding-DNA position 2881, T replaced by C.
Molecular consequence: intron variant.
Genome position (GRCh38, 1-based): chr4:54,290,310, T>C. VCF-style: chr4-54290310-T-C. GRCh37 (hg19) VCF-style: chr4-55156477-T-C.
Other names: c.2881-3T>C (NM_006206.4, NM_001347829.2); c.2956-3T>C (NM_001347828.2); c.2920-3T>C (NM_001347830.2).
Identifiers: ClinVar variation 1047265 (VCV001047265.8), dbSNP rs750914477, ClinGen allele CA2922987.
Genomic context (GRCh38, chr4:54,290,310, plus strand): 5'-TCTATTCATTTTTGAGGTTTGGTTGTTAACACTTGATTAAATATGTTCAATGAATGTTTA[T>C]AGAGTTATGAAAAAATTCACCTGGACTTCCTGAAGAGTGACCATCCTGCTGTGGCACGCA-3'

ClinVar aggregate classification (germline): Uncertain significance. Review status: criteria provided, multiple submitters, no conflicts (2 of 4 stars). 2 submissions from 2 submitters: Uncertain significance (2). Last evaluated 2025-01-31.

Conditions:
Gastrointestinal stromal tumor. Also called: Gastrointestinal stromal tumor, somatic; Gastrointestinal stroma tumor. Identifiers: Orphanet 44890, MedGen C0238198, MeSH D046152, MONDO:0011719, OMIM 606764, HP:0100723.
Hereditary cancer-predisposing syndrome. Also called: Tumor predisposition; Neoplastic Syndromes, Hereditary; Hereditary neoplastic syndrome; Hereditary Cancer Syndrome. Identifiers: Orphanet 140162, MedGen C0027672, MeSH D009386, MONDO:0015356.

Allele frequency attached by ClinVar (database versions not stated): gnomAD exomes below 0.00001 and 0.00001; TOPMed below 0.00001; ExAC 0.00001; gnomAD 0.00002.
gnomAD v4.1: 9 of 1,607,712 alleles (0.00056%); highest among the groups gnomAD compares: African/African-American, 0.0027%; no homozygotes.

Submissions (2):

Ambry Genetics
Classification: Uncertain significance for Hereditary cancer-predisposing syndrome. Last evaluated: 2025-01-31. Review status: criteria provided, single submitter. Criteria: Ambry Variant Classification Scheme 2023. Collection method: clinical testing. Allele origin: germline.
Comment: The c.2881-3T>C intronic variant results from a T to C substitution 3 nucleotides upstream from coding exon 21 in the PDGFRA gene. This nucleotide position is poorly conserved in available vertebrate species. In silico splice site analysis predicts that this alteration will not have any significant effect on splicing. Based on the available evidence, the clinical significance of this variant remains unclear.

Labcorp Genetics (formerly Invitae), Labcorp
Classification: Uncertain significance for Gastrointestinal stromal tumor. Last evaluated: 2024-09-03. Review status: criteria provided, single submitter. Criteria: Invitae Variant Classification Sherloc (09022015). Collection method: clinical testing. Allele origin: germline.
Comment: This sequence change falls in intron 21 of the PDGFRA gene. It does not directly change the encoded amino acid sequence of the PDGFRA protein. It affects a nucleotide within the consensus splice site. This variant is present in population databases (rs750914477, gnomAD 0.004%). This variant has not been reported in the literature in individuals affected with PDGFRA-related conditions. ClinVar contains an entry for this variant (Variation ID: 1047265). Variants that disrupt the consensus splice site are a relatively common cause of aberrant splicing (PMID: 17576681, 9536098). Algorithms developed to predict the effect of sequence changes on RNA splicing suggest that this variant is not likely to affect RNA splicing. In summary, the available evidence is currently insufficient to determine the role of this variant in disease. Therefore, it has been classified as a Variant of Uncertain Significance.

Literature cited by the submitters: PubMed 17576681 (cited by Labcorp Genetics (formerly Invitae), Labcorp); PubMed 9536098 (cited by Labcorp Genetics (formerly Invitae), Labcorp).